The following is an entry in ClinVar:

ClinVar aggregate classification (germline): Uncertain significance (1 of 4 stars; one submission).

Conditions:
COG1 congenital disorder of glycosylation (CDG2G). Also called: CONGENITAL DISORDER OF GLYCOSYLATION, TYPE IIg; CDG IIg; CDGII/COG1 CEREBROCOSTOMANDIBULAR-LIKE SYNDROME. Identifiers: Orphanet 263508, MedGen C2931011, MONDO:0012637, OMIM 611209.

Allele frequency attached by ClinVar (database versions not stated): gnomAD 0.00001; gnomAD exomes 0.00001 and 0.00005; TOPMed 0.00002; ExAC 0.00007.
gnomAD v4.1: 19 of 1,614,056 alleles (0.0012%); highest among the groups gnomAD compares: East Asian, 0.036%; no homozygotes.

Submission:

Labcorp Genetics (formerly Invitae), Labcorp
Classification: Uncertain significance for COG1 congenital disorder of glycosylation. Last evaluated: 2022-07-12. Review status: criteria provided, single submitter. Criteria: Invitae Variant Classification Sherloc (09022015). Collection method: clinical testing. Allele origin: germline.
Comment: This sequence change replaces proline, which is neutral and non-polar, with serine, which is neutral and polar, at codon 950 of the COG1 protein (p.Pro950Ser). This variant is present in population databases (rs779987364, gnomAD 0.06%). This variant has not been reported in the literature in individuals affected with COG1-related conditions. ClinVar contains an entry for this variant (Variation ID: 860420). Algorithms developed to predict the effect of missense changes on protein structure and function are either unavailable or do not agree on the potential impact of this missense change (SIFT: "Tolerated"; PolyPhen-2: "Possibly Damaging"; Align-GVGD: "Class C0"). In summary, the available evidence is currently insufficient to determine the role of this variant in disease. Therefore, it has been classified as a Variant of Uncertain Significance.

NM_018714.3(COG1):c.2848C>T (p.Pro950Ser)

Genes: VCF1 (VCP nuclear cofactor family member 1; minus strand), COG1 (component of oligomeric golgi complex 1; plus strand). Cytogenetic location: 17q25.1.
Variant type: single nucleotide variant.
Coding change: c.2848C>T on transcript NM_018714.3 (MANE Select); coding-DNA position 2848, C replaced by T.
Protein change: p.Pro950Ser; replaces proline 950 with serine.
Molecular consequence: missense variant. On other transcripts: 3 prime UTR variant (5).
Genome position (GRCh38, 1-based): chr17:73,208,356, C>T. VCF-style: chr17-73208356-C-T. GRCh37 (hg19) VCF-style: chr17-71204495-C-T.
Other names: c.*1173G>A (NM_001098832.2, NM_001289412.2, NM_032837.3); c.*1322G>A (NM_001289410.1, NM_001289411.1); short protein forms P950S.
Identifiers: ClinVar variation 860420 (VCV000860420.5), dbSNP rs779987364, ClinGen allele CA8740687.
Genomic context (GRCh38, chr17:73,208,356, plus strand): 5'-CTCTACATCCAATGGCAGGTTGTCCCCCCGGCACGCTCCACAGCTGGTGACCCGACAGTT[C>T]CTGGCTCCTTGTTCAGACAGCTTGTCAGTGAAGAAGACAACACGTCTGCACCTTCATTAT-3'
Protein context (NP_061184.1, residues 940-960): ARSTAGDPTV[Pro950Ser]GSLFRQLVSE